The following is an entry in ClinVar:

NM_000552.5(VWF):c.4324A>G (p.Ser1442Gly)

Gene: VWF (von Willebrand factor; minus strand). Cytogenetic location: 12p13.31.
Variant type: single nucleotide variant.
Coding change: c.4324A>G on transcript NM_000552.5 (MANE Select); coding-DNA position 4324, A replaced by G.
Protein change: p.Ser1442Gly; replaces serine 1442 with glycine.
Molecular consequence: missense variant.
Genome position (GRCh38, 1-based): chr12:6,019,094, T>C on the plus strand (A>G on the coding strand, the complement: VWF is on the minus strand). VCF-style: chr12-6019094-T-C. GRCh37 (hg19) VCF-style: chr12-6128260-T-C.
Other names: short protein forms S1442G.
Identifiers: ClinVar variation 1804692 (VCV001804692.1), dbSNP rs1944098027, ClinGen allele CA383502798.

ClinVar aggregate classification (germline): Uncertain significance (1 of 4 stars; one submission).

Allele frequency attached by ClinVar (database versions not stated): gnomAD exomes below 0.00001.
gnomAD v4.1: 4 of 1,613,828 alleles (0.00025%); highest among the groups gnomAD compares: Non-Finnish European, 0.00025%; no homozygotes.

Submission:

Women's Health and Genetics/Laboratory Corporation of America, LabCorp
Classification: Uncertain significance. Last evaluated: 2022-11-04. Review status: criteria provided, single submitter. Criteria: LabCorp Variant Classification Summary - May 2015. Collection method: clinical testing. Allele origin: germline.
Comment: Variant summary: VWF c.4324A>G (p.Ser1442Gly) results in a non-conservative amino acid change located in the von Willebrand factor, type A domain (IPR002035) of the encoded protein sequence. Three of four in-silico tools predict a benign effect of the variant on protein function. The variant was absent in 251124 control chromosomes (gnomAD). The available data on variant occurrences in the general population are insufficient to allow any conclusion about variant significance. c.4324A>G has been reported in the literature in individuals affected with Von Willebrand Disease (e.g. Costa-Pinto_2014). These report(s) do not provide unequivocal conclusions about association of the variant with Von Willebrand Disease. To our knowledge, no experimental evidence demonstrating an impact on protein function has been reported. No clinical diagnostic laboratories have submitted clinical-significance assessments for this variant to ClinVar after 2014. Based on the evidence outlined above, the variant was classified as uncertain significance.

Literature cited by the submitters: PubMed 25077350; PubMed 19601990.